The following is an entry in ClinVar:

ClinVar aggregate classification (germline): Uncertain significance. Review status: criteria provided, multiple submitters, no conflicts (2 of 4 stars). 2 submissions from 2 submitters: Uncertain significance (2). Last evaluated 2025-02-03.

Conditions:
Hereditary hyperekplexia. Identifiers: Orphanet 3197, MedGen C4084968, MONDO:0021022.

Allele frequency attached by ClinVar (database versions not stated): gnomAD exomes below 0.00001 and 0.00001; ExAC 0.00001; gnomAD 0.00001; TOPMed 0.00003.
gnomAD v4.1: 6 of 1,614,032 alleles (0.00037%); highest among the groups gnomAD compares: African/African-American, 0.0067%; no homozygotes.

Submissions (2):

Labcorp Genetics (formerly Invitae), Labcorp
Classification: Uncertain significance for Hereditary hyperekplexia. Last evaluated: 2025-02-03. Review status: criteria provided, single submitter. Criteria: Invitae Variant Classification Sherloc (09022015). Collection method: clinical testing. Allele origin: germline.
Comment: This sequence change replaces asparagine, which is neutral and polar, with lysine, which is basic and polar, at codon 386 of the GLRA1 protein (p.Asn386Lys). This variant is present in population databases (rs776916010, gnomAD 0.01%). This variant has not been reported in the literature in individuals affected with GLRA1-related conditions. ClinVar contains an entry for this variant (Variation ID: 1422488). Invitae Evidence Modeling of protein sequence and biophysical properties (such as structural, functional, and spatial information, amino acid conservation, physicochemical variation, residue mobility, and thermodynamic stability) indicates that this missense variant is not expected to disrupt GLRA1 protein function with a negative predictive value of 95%. In summary, the available evidence is currently insufficient to determine the role of this variant in disease. Therefore, it has been classified as a Variant of Uncertain Significance.

Women's Health and Genetics/Laboratory Corporation of America, LabCorp
Classification: Uncertain significance. Last evaluated: 2024-01-03. Review status: criteria provided, single submitter. Criteria: LabCorp Variant Classification Summary - May 2015. Collection method: clinical testing. Allele origin: germline.
Comment: Variant summary: GLRA1 c.1158C>A (p.Asn386Lys) results in a non-conservative amino acid change located in the Neurotransmitter-gated ion-channel transmembrane domain (IPR006029) of the encoded protein sequence. Three of five in-silico tools predict a benign effect of the variant on protein function. The variant allele was found at a frequency of 1.2e-05 in 251316 control chromosomes (gnomAD). The available data on variant occurrences in the general population are insufficient to allow any conclusion about variant significance. To our knowledge, no occurrence of c.1158C>A in individuals affected with Hyperekplexia 1 and no experimental evidence demonstrating its impact on protein function have been reported. One submitter has cited a clinical-significance assessment for this variant to ClinVar after 2014 and has classified the variant as uncertain significance. Based on the evidence outlined above, the variant was classified as uncertain significance.

NM_000171.4(GLRA1):c.1158C>A (p.Asn386Lys)

Gene: GLRA1 (glycine receptor alpha 1; minus strand). Cytogenetic location: 5q33.1.
Variant type: single nucleotide variant.
Coding change: c.1158C>A on transcript NM_000171.4 (MANE Select); coding-DNA position 1158, C replaced by A.
Protein change: p.Asn386Lys; replaces asparagine 386 with lysine.
Molecular consequence: missense variant.
Genome position (GRCh38, 1-based): chr5:151,822,865, G>T on the plus strand (C>A on the coding strand, the complement: GLRA1 is on the minus strand). VCF-style: chr5-151822865-G-T. GRCh37 (hg19) VCF-style: chr5-151202426-G-T.
Other names: c.1182C>A, p.Asn394Lys (NM_001146040.2); c.909C>A, p.Asn303Lys (NM_001292000.2); short protein forms N303K, N386K, N394K.
Identifiers: ClinVar variation 1422488 (VCV001422488.9), dbSNP rs776916010, ClinGen allele CA3523496.